The following is an entry in ClinVar:

NM_001040108.2(MLH3):c.760G>A (p.Val254Met)

Gene: MLH3 (mutL homolog 3; minus strand). Cytogenetic location: 14q24.3.
Variant type: single nucleotide variant.
Coding change: c.760G>A on transcript NM_001040108.2 (MANE Select); coding-DNA position 760, G replaced by A.
Protein change: p.Val254Met; replaces valine 254 with methionine.
Molecular consequence: missense variant.
Genome position (GRCh38, 1-based): chr14:75,048,896, C>T on the plus strand (G>A on the coding strand, the complement: MLH3 is on the minus strand). VCF-style: chr14-75048896-C-T. GRCh37 (hg19) VCF-style: chr14-75515599-C-T.
Other names: c.760G>A, p.Val254Met (NM_014381.3); short protein forms V254M.
Identifiers: ClinVar variation 1759786 (VCV001759786.5), dbSNP rs1228892736, ClinGen allele CA390449204.
Genomic context (GRCh38, chr14:75,048,896, plus strand): 5'-TCCTTAATAAAAAGTCAATGAGTTTATGTAGCTTTGTCCTTAAAACTAGTCTTTTGTTCA[C>T]AAACAAAAACTGCATATTCTTGTTGTAATGTGCTTCAGAGCTGATATAGCCACTAAGCTC-3'
Protein context (NP_001035197.1, residues 244-264): HYNKNMQFLF[Val254Met]NKRLVLRTKL

ClinVar aggregate classification (germline): Uncertain significance. Review status: criteria provided, multiple submitters, no conflicts (2 of 4 stars). 2 submissions from 2 submitters: Uncertain significance (2). Last evaluated 2024-09-08.

Conditions:
Colorectal cancer, hereditary nonpolyposis, type 7. Identifiers: Orphanet 144, MedGen C1858380, MONDO:0013725, OMIM 614385.

Allele frequency attached by ClinVar (database versions not stated): gnomAD exomes below 0.00001.
gnomAD v4.1: 4 of 1,613,462 alleles (0.00025%); highest among the groups gnomAD compares: Non-Finnish European, 0.00034%; no homozygotes.

Submissions (2):

Labcorp Genetics (formerly Invitae), Labcorp
Classification: Uncertain significance for Colorectal cancer, hereditary nonpolyposis, type 7. Last evaluated: 2024-09-08. Review status: criteria provided, single submitter. Criteria: Invitae Variant Classification Sherloc (09022015). Collection method: clinical testing. Allele origin: germline.
Comment: This sequence change replaces valine, which is neutral and non-polar, with methionine, which is neutral and non-polar, at codon 254 of the MLH3 protein (p.Val254Met). This variant is present in population databases (no rsID available, gnomAD 0.0009%). This variant has not been reported in the literature in individuals affected with MLH3-related conditions. ClinVar contains an entry for this variant (Variation ID: 1759786). An algorithm developed to predict the effect of missense changes on protein structure and function (PolyPhen-2) suggests that this variant is likely to be disruptive. In summary, the available evidence is currently insufficient to determine the role of this variant in disease. Therefore, it has been classified as a Variant of Uncertain Significance.

Ambry Genetics
Classification: Uncertain significance. Last evaluated: 2024-09-02. Review status: criteria provided, single submitter. Criteria: Ambry Variant Classification Scheme 2023. Collection method: clinical testing. Allele origin: germline.
Comment: The p.V254M variant (also known as c.760G>A), located in coding exon 1 of the MLH3 gene, results from a G to A substitution at nucleotide position 760. The valine at codon 254 is replaced by methionine, an amino acid with highly similar properties. This amino acid position is conserved. In addition, this alteration is predicted to be deleterious by in silico analysis. Since supporting evidence is limited at this time, the clinical significance of this alteration remains unclear.